The following is an entry in ClinVar:

ClinVar aggregate classification (germline): Uncertain significance (1 of 4 stars; one submission).

Conditions:
Birt-Hogg-Dube syndrome. Also called: Birt Hogg Dubé syndrome. Identifiers: Orphanet 122, MedGen C0346010, MONDO:0800444.

Submission:

Labcorp Genetics (formerly Invitae), Labcorp
Classification: Uncertain significance for Birt-Hogg-Dube syndrome. Last evaluated: 2024-01-03. Review status: criteria provided, single submitter. Criteria: Invitae Variant Classification Sherloc (09022015). Collection method: clinical testing. Allele origin: unknown.
Comment: This variant occurs in a non-coding region of the FLCN gene. It does not change the encoded amino acid sequence of the FLCN protein. This variant has not been reported in the literature in individuals affected with FLCN-related conditions. Experimental studies and prediction algorithms are not available or were not evaluated, and the functional significance of this variant is currently unknown. In summary, the available evidence is currently insufficient to determine the role of this variant in disease. Therefore, it has been classified as a Variant of Uncertain Significance.

NC_000017.10:g.(?_17140226)_(17140502_?)dup

Gene: FLCN (folliculin; minus strand). Cytogenetic location: 17p11.2.
Variant type: Duplication.
Identifiers: ClinVar variation 3242949 (VCV003242949.1).